The following is an entry in ClinVar:

ClinVar aggregate classification (germline): Uncertain significance (1 of 4 stars; one submission).

Submission:

Labcorp Genetics (formerly Invitae), Labcorp
Classification: Uncertain significance. Last evaluated: 2022-11-22. Review status: criteria provided, single submitter. Criteria: Invitae Variant Classification Sherloc (09022015). Collection method: clinical testing. Allele origin: germline.
Comment: Algorithms developed to predict the effect of missense changes on protein structure and function are either unavailable or do not agree on the potential impact of this missense change (SIFT: "Not Available"; PolyPhen-2: "Benign"; Align-GVGD: "Not Available"). ClinVar contains an entry for this variant (Variation ID: 1356286). In summary, the available evidence is currently insufficient to determine the role of this variant in disease. Therefore, it has been classified as a Variant of Uncertain Significance. This variant has not been reported in the literature in individuals affected with CEP250-related conditions. This variant is not present in population databases (gnomAD no frequency). This sequence change replaces valine with leucine at codon 2246 of the CEP250 protein (p.Val2246Leu). The valine residue is weakly conserved and there is a small physicochemical difference between valine and leucine.

NM_007186.6(CEP250):c.6736G>T (p.Val2246Leu)

Gene: CEP250 (centrosomal protein 250; plus strand). Cytogenetic location: 20q11.22.
Variant type: single nucleotide variant.
Coding change: c.6736G>T on transcript NM_007186.6 (MANE Select); coding-DNA position 6736, G replaced by T.
Protein change: p.Val2246Leu; replaces valine 2246 with leucine.
Molecular consequence: missense variant.
Genome position (GRCh38, 1-based): chr20:35,507,837, G>T. VCF-style: chr20-35507837-G-T. GRCh37 (hg19) VCF-style: chr20-34095666-G-T.
Other names: c.4840G>T, p.Val1614Leu (NM_001318219.1); short protein forms V1614L, V2246L.
Identifiers: ClinVar variation 1356286 (VCV001356286.6), dbSNP rs1314267186, ClinGen allele CA408759648.